The following is an entry in ClinVar:

ClinVar aggregate classification (germline): Uncertain significance (1 of 4 stars; one submission).

Conditions:
Spinocerebellar ataxia type 19/22 (SCA19). Also called: SPINOCEREBELLAR ATAXIA 19; SPINOCEREBELLAR ATAXIA 22. Identifiers: Orphanet 98772, MedGen C1846367, MONDO:0011819, OMIM 607346.

Submission:

Labcorp Genetics (formerly Invitae), Labcorp
Classification: Uncertain significance for Spinocerebellar ataxia type 19/22. Last evaluated: 2021-05-09. Review status: criteria provided, single submitter. Criteria: Invitae Variant Classification Sherloc (09022015). Collection method: clinical testing. Allele origin: germline.
Comment: In summary, the available evidence is currently insufficient to determine the role of this variant in disease. Therefore, it has been classified as a Variant of Uncertain Significance. Algorithms developed to predict the effect of missense changes on protein structure and function are either unavailable or do not agree on the potential impact of this missense change (SIFT: "Deleterious"; PolyPhen-2: "Possibly Damaging"; Align-GVGD: "Class C0"). This variant has not been reported in the literature in individuals with KCND3-related conditions. This variant is not present in population databases (ExAC no frequency). This sequence change replaces serine with cysteine at codon 591 of the KCND3 protein (p.Ser591Cys). The serine residue is highly conserved and there is a moderate physicochemical difference between serine and cysteine.

NM_001378969.1(KCND3):c.1772C>G (p.Ser591Cys)

Gene: KCND3 (potassium voltage-gated channel subfamily D member 3; minus strand). Cytogenetic location: 1p13.2.
Variant type: single nucleotide variant.
Coding change: c.1772C>G on transcript NM_001378969.1 (MANE Select); coding-DNA position 1772, C replaced by G.
Protein change: p.Ser591Cys; replaces serine 591 with cysteine.
Molecular consequence: missense variant.
Genome position (GRCh38, 1-based): chr1:111,776,273, G>C on the plus strand (C>G on the coding strand, the complement: KCND3 is on the minus strand). VCF-style: chr1-111776273-G-C. GRCh37 (hg19) VCF-style: chr1-112318895-G-C.
Other names: c.1715C>G, p.Ser572Cys (NM_001378970.1, NM_172198.3); c.1772C>G, p.Ser591Cys (NM_004980.5); short protein forms S572C, S591C.
Identifiers: ClinVar variation 1352561 (VCV001352561.8), dbSNP rs903701604, ClinGen allele CA341655914.
Genomic context (GRCh38, chr1:111,776,273, plus strand): 5'-GTGATCTGGGATGTTTTGCAGTTTGGTCTCAGTCCGTCGTCTGCTTTCAAATTAAGGCTG[G>C]AGCGACTGGGATAGAAAAGAGTGAGTTGATGATGGTTCCTGCTGGCCAGCGTCCCAAAGC-3'
Protein context (NP_001365898.1, residues 581-601): SEQPSLTTSR[Ser591Cys]SLNLKADDGL